The following is an entry in ClinVar:

NM_000548.5(TSC2):c.3994G>A (p.Ala1332Thr)

Gene: TSC2 (TSC complex subunit 2; plus strand). Cytogenetic location: 16p13.3.
Variant type: single nucleotide variant.
Coding change: c.3994G>A on transcript NM_000548.5 (MANE Select); coding-DNA position 3994, G replaced by A.
Protein change: p.Ala1332Thr; replaces alanine 1332 with threonine.
Molecular consequence: missense variant. On other transcripts: non-coding transcript variant (5).
Genome position (GRCh38, 1-based): chr16:2,083,805, G>A. VCF-style: chr16-2083805-G-A. GRCh37 (hg19) VCF-style: chr16-2133806-G-A.
Other names: c.3793G>A, p.Ala1265Thr (NM_001077183.3); c.3925G>A, p.Ala1309Thr (NM_001114382.3); c.3685G>A, p.Ala1229Thr (NM_001318827.2); c.3649G>A, p.Ala1217Thr (NM_001318829.2); c.3814G>A, p.Ala1272Thr (NM_001406670.1); c.3784G>A, p.Ala1262Thr (NM_001406671.1); c.3781G>A, p.Ala1261Thr (NM_001406673.1); c.3778G>A, p.Ala1260Thr (NM_001406675.1); and 26 more; short protein forms A1065T, A1066T, A1088T, A1108T, A1109T, A1112T, A1132T, A1216T.
Identifiers: ClinVar variation 4802880 (VCV004802880.1).

ClinVar aggregate classification (germline): Uncertain significance (1 of 4 stars; one submission).

Conditions:
Tuberous sclerosis 2 (TSC2). Identifiers: Orphanet 805, MedGen C1860707, MONDO:0013199, OMIM 613254.

gnomAD v4.1: 2 of 1,611,178 alleles (0.00012%); highest among the groups gnomAD compares: South Asian, 0.0011%; no homozygotes.

Submission:

Labcorp Genetics (formerly Invitae), Labcorp
Classification: Uncertain significance for Tuberous sclerosis 2. Last evaluated: 2025-09-17. Review status: criteria provided, single submitter. Criteria: Invitae Variant Classification Sherloc (09022015). Collection method: clinical testing. Allele origin: germline.
Comment: This sequence change replaces alanine, which is neutral and non-polar, with threonine, which is neutral and polar, at codon 1332 of the TSC2 protein (p.Ala1332Thr). This variant is not present in population databases (gnomAD no frequency). This variant has not been reported in the literature in individuals affected with TSC2-related conditions. Invitae Evidence Modeling of protein sequence and biophysical properties (such as structural, functional, and spatial information, amino acid conservation, physicochemical variation, residue mobility, and thermodynamic stability) indicates that this missense variant is not expected to disrupt TSC2 protein function with a negative predictive value of 95%. In summary, the available evidence is currently insufficient to determine the role of this variant in disease. Therefore, it has been classified as a Variant of Uncertain Significance.